The following is an entry in ClinVar:

ClinVar aggregate classification (germline): Pathogenic/Likely pathogenic. Review status: criteria provided, multiple submitters, no conflicts (2 of 4 stars). 14 submissions from 14 submitters: Pathogenic (6); Likely pathogenic (3). 5 of the submissions do not count toward it. Last evaluated 2026-06-25.

Conditions:
NAGLU-related disorder. Also called: NAGLU-related condition.
Charcot-Marie-Tooth disease axonal type 2V. Also called: CHARCOT-MARIE-TOOTH NEUROPATHY, TYPE 2V; CHARCOT-MARIE-TOOTH DISEASE, AXONAL, AUTOSOMAL DOMINANT, TYPE 2V. Identifiers: Orphanet 447964, MedGen C5569050, MONDO:0014665, OMIM 616491.
Mucopolysaccharidosis, MPS-III-B (MPS3B). Also called: MPS III B; Mucopolysaccharidosis type IIIB (Sanfilippo B); SANFILIPPO SYNDROME B; MUCOPOLYSACCHARIDOSIS, TYPE IIIB; MPS IIIB (Sanfilippo Syndrome Type B); N-ACETYL-ALPHA-D-GLUCOSAMINIDASE DEFICIENCY. Identifiers: Orphanet 79270, MedGen C0086648, MONDO:0009656, OMIM 252920.
Mucopolysaccharidosis. Also called: Mucopolysaccharidoses. Identifiers: Orphanet 79213, MedGen C0026703, MeSH D009083, MONDO:0019249.

Allele frequency attached by ClinVar (database versions not stated): gnomAD 0.00003 and 0.00002; gnomAD exomes 0.00002 and 0.00007; ExAC 0.00003; TOPMed 0.00004.
gnomAD v4.1: 106 of 1,612,256 alleles (0.0066%); highest among the groups gnomAD compares: East Asian, 0.0089%; no homozygotes.

Submissions (14):

PreventionGenetics, part of Exact Sciences
Classification: Likely pathogenic for NAGLU-related condition. Last evaluated: 2026-06-25. Review status: criteria provided, single submitter. Criteria: ACMG Guidelines, 2015. Collection method: clinical testing. Allele origin: germline.
Comment: The NAGLU c.1562C>T variant is predicted to result in the amino acid substitution p.Pro521Leu. This variant has been reported in the compound heterozygous and homozygous states in individuals with mucopolysaccharidosis type lllB (aka MPS lllB or Sanfilippo syndrome type B) presenting with both severe (Beesley et al. 1998. PubMedID: 983237; Zhao et al. 1998. PubMed ID: 9443875; Weber et al. 1999. PubMed ID: 10094189) and attenuated (Family 16, Valstar et al. 2010. PubMed ID: 20852935) phenotypes. This variant is reported in 0.0056% of alleles in individuals of European (Non-Finnish) descent in gnomAD and is interpreted as pathogenic and likely pathogenic in ClinVar (Variation ID: 1566). Taken together, this variant is interpreted as likely pathogenic.

Labcorp Genetics (formerly Invitae), Labcorp
Classification: Pathogenic for Charcot-Marie-Tooth disease axonal type 2V; Mucopolysaccharidosis, MPS-III-B. Last evaluated: 2026-01-28. Review status: criteria provided, single submitter. Criteria: Invitae Variant Classification Sherloc (09022015). Collection method: clinical testing. Allele origin: germline.
Comment: This sequence change replaces proline, which is neutral and non-polar, with leucine, which is neutral and non-polar, at codon 521 of the NAGLU protein (p.Pro521Leu). This variant is present in population databases (rs104894595, gnomAD 0.006%). This missense change has been observed in individual(s) with mucopolysaccharidosis type III (PMID: 9443875, 20852935, 28306536). It has also been observed to segregate with disease in related individuals. ClinVar contains an entry for this variant (Variation ID: 1566). Invitae Evidence Modeling of protein sequence and biophysical properties (such as structural, functional, and spatial information, amino acid conservation, physicochemical variation, residue mobility, and thermodynamic stability) indicates that this missense variant is expected to disrupt NAGLU protein function with a positive predictive value of 95%. For these reasons, this variant has been classified as Pathogenic.

Natera, Inc.
Classification: Pathogenic for Mucopolysaccharidosis type IIIB. Last evaluated: 2025-08-28. Review status: criteria provided, single submitter. Criteria: Natera Variant Classification Schema (03/2026). Collection method: clinical testing. Allele origin: germline.
Comment: The c.1562C>T variant in NAGLU is a missense variant predicted to cause substitution of proline to leucine at amino acid 521. This variant is rare in the general population with a frequency below the threshold expected for the associated phenotype(s). This variant has been observed in one or more individuals affected with the associated recessive disease, as either homozygous or compound heterozygous with a second variant (PMID: 16151907). Computational prediction algorithms indicate this variant is likely to affect gene or protein function. Given the available evidence, this variant is classified as Pathogenic.

Blueprint Genetics
Classification: Pathogenic for NAGLU-related disorders. Last evaluated: 2024-07-09. Review status: criteria provided, single submitter. Criteria: ACMG Guidelines, 2015. Collection method: clinical testing. Allele origin: germline. Affected: yes. Observed: 5 variant alleles.

Fulgent Genetics
Classification: Pathogenic for Mucopolysaccharidosis, MPS-III-B; Charcot-Marie-Tooth disease axonal type 2V. Last evaluated: 2024-05-07. Review status: criteria provided, single submitter. Criteria: ACMG Guidelines, 2015. Collection method: clinical testing. Allele origin: germline.

Clinical Genomics Laboratory, Washington University in St. Louis
Classification: Likely pathogenic for Mucopolysaccharidosis, MPS-III-B. Last evaluated: 2024-02-08. Review status: criteria provided, single submitter. Criteria: ACMG Guidelines, 2015. Collection method: clinical testing. Allele origin: germline.
Comment: The NAGLU c.1562C>T (p.Pro521Leu) variant has been reported in 13 individuals affected with Mucopolysaccharidosis Type IIIB (Sanfilippo Syndrome B) and is reported to segregate with disease in nine individuals in two families (Beesley CE et al., PMID: 9832037; Valstar MJ et al., PMID: 20852935; Weber B et al., PMID: 10094189; Zhao HG et al., PMID: 9443875; Zheng Q et al., PMID: 28306536). Of those individuals, nine were compound heterozygous for the variant and a pathogenic/likely pathogenic variant was confirmed to be in trans (Valstar MJ et al., PMID: 20852935; Zhao HG et al., PMID: 9443875) and two individuals were homozygous for the variant (Beesley CE et al., PMID: 9832037; Weber B et al., PMID: 10094189). This variant is only observed on 7 out of 277,290 alleles in the general population (gnomAD v.2.1.1), indicating it is not a common variant. Computational predictors indicate that the variant is damaging, evidence that correlates with impact to NAGLU function. This variant has been reported in the ClinVar database as a pathogenic or likely pathogenic germline variant by seven submitters. Based on available information and the ACMG/AMP guidelines for variant interpretation (Richards S et al., PMID: 25741868), this variant is classified as likely pathogenic.

Revvity Omics, Revvity
Classification: Likely pathogenic. Last evaluated: 2022-03-02. Review status: criteria provided, single submitter. Criteria: ACMG Guidelines, 2015. Collection method: clinical testing. Allele origin: germline.

Women's Health and Genetics/Laboratory Corporation of America, LabCorp
Classification: Pathogenic for Mucopolysaccharidosis, MPS-III-B. Last evaluated: 2019-02-13. Review status: criteria provided, single submitter. Criteria: LabCorp Variant Classification Summary - May 2015. Collection method: clinical testing. Allele origin: germline.
Comment: Variant summary: NAGLU c.1562C>T (p.Pro521Leu) results in a non-conservative amino acid change located in the C-terminal domain of the encoded protein sequence. Five of five in-silico tools predict a damaging effect of the variant on protein function. The variant allele was found at a frequency of 2.6e-05 in 271726 control chromosomes (gnomAD). c.1562C>T has been reported in the literature in compound heterozygous and homozygous individuals affected with Mucopolysaccharidosis Type IIIB (Sanfilippo Syndrome B) (e.g. Zhao 1998, Beesley 2005, Valstar 2010). These data indicate that the variant is very likely to be associated with disease. To our knowledge, no experimental evidence demonstrating an impact on protein function has been reported. A ClinVar submission from a clinical diagnostic laboratory (evaluation after 2014) cites the variant as uncertain significance. Based on the evidence outlined above, the variant was classified as pathogenic.

Juno Genomics, Hangzhou Juno Genomics, Inc
Classification: Pathogenic for Mucopolysaccharidosis, MPS-III-B. Review status: criteria provided, single submitter. Criteria: ACMG Guidelines, 2015. Collection method: clinical testing. Allele origin: germline. Affected: yes.
Comment: Absent from controls (or at extremely low frequency if recessive) in Genome Aggregation Database, Exome Sequencing Project, 1000 Genomes Project, or Exome Aggregation Consortium.;For recessive disorders, detected in trans with a pathogenic variant.;Patient's phenotype or family history is highly specific for a disease with a single genetic etiology.;Multiple lines of computational evidence support a deleterious effect on the gene or gene product (conservation, evolutionary, splicing impact, etc).

SingHealth Duke-NUS Institute of Precision Medicine
Classification: Uncertain significance for Mucopolysaccharidosis, MPS-III-B. Last evaluated: 2017-06-07. Review status: no assertion criteria provided. Collection method: curation. Allele origin: germline. Affected: no. Not counted in ClinVar's aggregate classification.

OMIM
Classification: Pathogenic for MUCOPOLYSACCHARIDOSIS, TYPE IIIB. Last evaluated: 1999-01-01. Review status: no assertion criteria provided. Collection method: literature only. Allele origin: germline. Not counted in ClinVar's aggregate classification.

Clinical Genetics DNA and cytogenetics Diagnostics Lab, Erasmus MC, Erasmus Medical Center
Classification: Pathogenic. Review status: no assertion criteria provided. Collection method: clinical testing. Allele origin: germline. Affected: yes. Study: VKGL Data-share Consensus. Not counted in ClinVar's aggregate classification.

Clinical Genetics, Academic Medical Center
Classification: Pathogenic. Review status: no assertion criteria provided. Collection method: clinical testing. Allele origin: germline. Affected: yes. Study: VKGL Data-share Consensus. Not counted in ClinVar's aggregate classification.

GeneReviews
No classification provided. Condition: Mucopolysaccharidosis. Review status: no classification provided. Collection method: literature only. Allele origin: germline. Not counted in ClinVar's aggregate classification.

Literature cited by the submitters: PubMed 9443875 (cited by 3 submitters); PubMed 20852935 (cited by 3 submitters); PubMed 28306536 (cited by Labcorp Genetics (formerly Invitae), Labcorp); PubMed 16151907 (cited by Natera, Inc.); PubMed 9832037 (cited by Women's Health and Genetics/Laboratory Corporation of America, LabCorp); PubMed 10094189 (cited by OMIM and GeneReviews); PubMed 31536183 (cited by GeneReviews).

NM_000263.4(NAGLU):c.1562C>T (p.Pro521Leu)

Gene: NAGLU (N-acetyl-alpha-glucosaminidase; plus strand). Cytogenetic location: 17q21.2.
Variant type: single nucleotide variant.
Coding change: c.1562C>T on transcript NM_000263.4 (MANE Select); coding-DNA position 1562, C replaced by T.
Protein change: p.Pro521Leu; replaces proline 521 with leucine.
Molecular consequence: missense variant.
Genome position (GRCh38, 1-based): chr17:42,543,568, C>T. VCF-style: chr17-42543568-C-T. GRCh37 (hg19) VCF-style: chr17-40695586-C-T.
Other names: short protein forms P521L.
Identifiers: ClinVar variation 1566 (VCV000001566.29), dbSNP rs104894595, ClinGen allele CA115049.